The following is an entry in ClinVar:

ClinVar aggregate classification (germline): Uncertain significance (1 of 4 stars; one submission).

Conditions:
Congenital myasthenic syndrome 12 (CMS12). Also called: Myasthenia, congenital, 12, with tubular aggregates; MYASTHENIC SYNDROME, CONGENITAL, WITH TUBULAR AGGREGATES 1. Identifiers: Orphanet 353327, Orphanet 590, MedGen C3552335, MONDO:0012518, OMIM 610542.

Allele frequency attached by ClinVar (database versions not stated): ExAC 0.00001; TOPMed 0.00002; ESP Exome Variant Server 0.00008.
gnomAD v4.1: 3 of 1,612,728 alleles (0.00019%); highest among the groups gnomAD compares: Non-Finnish European, 0.00025%; no homozygotes.

Submission:

Baylor Genetics
Classification: Uncertain significance for Congenital myasthenic syndrome 12. Last evaluated: 2018-05-16. Review status: criteria provided, single submitter. Criteria: ACMG Guidelines, 2015. Collection method: clinical testing. Allele origin: unknown. Affected: yes.
Comment: This variant was determined to be of uncertain significance according to ACMG Guidelines, 2015 [PMID:25741868].

NM_001244710.2(GFPT1):c.902C>G (p.Ala301Gly)

Gene: GFPT1 (glutamine--fructose-6-phosphate transaminase 1; minus strand). Cytogenetic location: 2p13.3.
Variant type: single nucleotide variant.
Coding change: c.902C>G on transcript NM_001244710.2 (MANE Select); coding-DNA position 902, C replaced by G.
Protein change: p.Ala301Gly; replaces alanine 301 with glycine.
Molecular consequence: missense variant.
Genome position (GRCh38, 1-based): chr2:69,348,278, G>C on the plus strand (C>G on the coding strand, the complement: GFPT1 is on the minus strand). VCF-style: chr2-69348278-G-C. GRCh37 (hg19) VCF-style: chr2-69575410-G-C.
Other names: c.848C>G, p.Ala283Gly (NM_002056.4); short protein forms A283G, A301G.
Identifiers: ClinVar variation 1032796 (VCV001032796.1), dbSNP rs372840289, ClinGen allele CA1693743.